The following is an entry in ClinVar:

ClinVar aggregate classification (germline): Benign/Likely benign. Review status: criteria provided, multiple submitters, no conflicts (2 of 4 stars). 3 submissions from 3 submitters: Benign (2); Likely benign (1). Last evaluated 2024-11-25.

Allele frequency attached by ClinVar (database versions not stated): gnomAD exomes 0.00067 and 0.00070; ExAC 0.00183; gnomAD 0.00717 and 0.00754; TOPMed 0.00800; 1000 Genomes Project 0.00958; 1000 Genomes Project 30x 0.01031.
gnomAD v4.1: 1,981 of 1,358,136 alleles (0.15%); highest among the groups gnomAD compares: African/African-American, 2.4%; 22 homozygotes.

Submissions (3):

Blueprint Genetics
Classification: Likely benign. Last evaluated: 2024-11-25. Review status: criteria provided, single submitter. Criteria: ACMG Guidelines, 2015. Collection method: clinical testing. Allele origin: germline.

GeneDx
Classification: Benign. Last evaluated: 2018-01-04. Review status: criteria provided, single submitter. Criteria: GeneDx Variant Classification (06012015). Collection method: clinical testing. Allele origin: germline. Affected: yes.
Comment: This variant is considered likely benign or benign based on one or more of the following criteria: it is a conservative change, it occurs at a poorly conserved position in the protein, it is predicted to be benign by multiple in silico algorithms, and/or has population frequency not consistent with disease.

Breakthrough Genomics
Classification: Benign. Review status: criteria provided, single submitter. Criteria: ACMG Guidelines, 2015. Collection method: not provided. Allele origin: germline. Inheritance: Autosomal recessive inheritance. Affected: yes.

NM_013391.3(DMGDH):c.-12C>G

Gene: DMGDH (dimethylglycine dehydrogenase; minus strand). Cytogenetic location: 5q14.1.
Variant type: single nucleotide variant.
Coding change: c.-12C>G on transcript NM_013391.3 (MANE Select); 12 bases upstream of the start codon, C replaced by G.
Molecular consequence: 5 prime UTR variant. On other transcripts: non-coding transcript variant (2).
Genome position (GRCh38, 1-based): chr5:79,069,632, G>C on the plus strand (C>G on the coding strand, the complement: DMGDH is on the minus strand). VCF-style: chr5-79069632-G-C. GRCh37 (hg19) VCF-style: chr5-78365455-G-C.
Identifiers: ClinVar variation 380018 (VCV000380018.3), dbSNP rs57739060, ClinGen allele CA3319083.